The following is an entry in ClinVar:

NM_001089.3(ABCA3):c.3617C>T (p.Ala1206Val)

Gene: ABCA3 (ATP binding cassette subfamily A member 3; minus strand). Cytogenetic location: 16p13.3.
Variant type: single nucleotide variant.
Coding change: c.3617C>T on transcript NM_001089.3 (MANE Select); coding-DNA position 3617, C replaced by T.
Protein change: p.Ala1206Val; replaces alanine 1206 with valine.
Molecular consequence: missense variant.
Genome position (GRCh38, 1-based): chr16:2,284,865, G>A on the plus strand (C>T on the coding strand, the complement: ABCA3 is on the minus strand). VCF-style: chr16-2284865-G-A. GRCh37 (hg19) VCF-style: chr16-2334866-G-A.
Other names: short protein forms A1206V.
Identifiers: ClinVar variation 1707448 (VCV001707448.3), dbSNP rs765664396, ClinGen allele CA7840448.

ClinVar aggregate classification (germline): Uncertain significance. Review status: criteria provided, multiple submitters, no conflicts (2 of 4 stars). 2 submissions from 2 submitters: Uncertain significance (2). Last evaluated 2022-09-29.

Conditions:
Interstitial lung disease due to ABCA3 deficiency. Also called: PULMONARY ALVEOLAR PROTEINOSIS, CONGENITAL, 3. Identifiers: Orphanet 440402, MedGen C1970456, MONDO:0012582, OMIM 610921.
Hereditary pulmonary alveolar proteinosis. Also called: Pulmonary surfactant metabolism dysfunction. Identifiers: Orphanet 264675, MedGen C3711368, MONDO:0012580.

Allele frequency attached by ClinVar (database versions not stated): gnomAD 0.00003; TOPMed 0.00005; gnomAD exomes 0.00006; ExAC 0.00011.
gnomAD v4.1: 91 of 1,613,934 alleles (0.0056%); highest among the groups gnomAD compares: Middle Eastern, 0.033%; 2 homozygotes.

Submissions (2):

Department of Human Genetics, Hannover Medical School
Classification: Uncertain significance for Interstitial lung disease due to ABCA3 deficiency. Last evaluated: 2022-09-29. Review status: criteria provided, single submitter. Criteria: ACMG Guidelines, 2015. Collection method: clinical testing. Allele origin: germline. Affected: yes.
Comment: The variant is not yet known in the Clinvar and LOVD variant databases or in the literature. The population database gnomAD reports an allele frequency of 0.007% for the variant (gnomAD; ALL), including one homozygous detection (age 50-55 years). This missense variant affects an evolutionarily moderately conserved amino acid. The physicochemical difference between the original (alanine) and the newly evolved amino acid (valine) is small. An in silico analysis regarding the clinical relevance of the change did not yield a clear result. There are currently too few data available for a conclusive assessment with regard to clinical relevance.

Ambry Genetics
Classification: Uncertain significance for Hereditary pulmonary alveolar proteinosis. Last evaluated: 2021-11-04. Review status: criteria provided, single submitter. Criteria: Ambry Variant Classification Scheme 2023. Collection method: clinical testing. Allele origin: germline.
Comment: The p.A1206V variant (also known as c.3617C>T), located in coding exon 21 of the ABCA3 gene, results from a C to T substitution at nucleotide position 3617. The alanine at codon 1206 is replaced by valine, an amino acid with similar properties. This amino acid position is conserved. In addition, the in silico prediction for this alteration is inconclusive. Since supporting evidence is limited at this time, the clinical significance of this alteration remains unclear.